The following is an entry in ClinVar:

ClinVar aggregate classification (germline): Uncertain significance. Review status: criteria provided, multiple submitters, no conflicts (2 of 4 stars). 2 submissions from 2 submitters: Uncertain significance (2). Last evaluated 2025-04-29.

Allele frequency attached by ClinVar (database versions not stated): gnomAD exomes below 0.00001; TOPMed below 0.00001.
gnomAD v4.1: 5 of 1,613,964 alleles (0.00031%); highest among the groups gnomAD compares: Non-Finnish European, 0.00042%; no homozygotes.

Submissions (2):

Mayo Clinic Laboratories, Mayo Clinic
Classification: Uncertain significance. Last evaluated: 2025-04-29. Review status: criteria provided, single submitter. Criteria: ACMG Guidelines, 2015. Collection method: clinical testing. Allele origin: germline. Observed: 1 variant allele.

Labcorp Genetics (formerly Invitae), Labcorp
Classification: Uncertain significance. Last evaluated: 2023-06-09. Review status: criteria provided, single submitter. Criteria: Invitae Variant Classification Sherloc (09022015). Collection method: clinical testing. Allele origin: germline.
Comment: In summary, the available evidence is currently insufficient to determine the role of this variant in disease. Therefore, it has been classified as a Variant of Uncertain Significance. Algorithms developed to predict the effect of sequence changes on RNA splicing suggest that this variant may disrupt the consensus splice site. An algorithm developed to predict the effect of missense changes on protein structure and function (PolyPhen-2) suggests that this variant is likely to be tolerated. ClinVar contains an entry for this variant (Variation ID: 1478625). This variant has not been reported in the literature in individuals affected with FBLN5-related conditions. This variant is not present in population databases (gnomAD no frequency). This sequence change replaces serine, which is neutral and polar, with leucine, which is neutral and non-polar, at codon 89 of the FBLN5 protein (p.Ser89Leu).

NM_006329.4(FBLN5):c.266C>T (p.Ser89Leu)

Gene: FBLN5 (fibulin 5; minus strand). Cytogenetic location: 14q32.12.
Variant type: single nucleotide variant.
Coding change: c.266C>T on transcript NM_006329.4 (MANE Select); coding-DNA position 266, C replaced by T.
Protein change: p.Ser89Leu; replaces serine 89 with leucine.
Molecular consequence: missense variant.
Genome position (GRCh38, 1-based): chr14:91,937,060, G>A on the plus strand (C>T on the coding strand, the complement: FBLN5 is on the minus strand). VCF-style: chr14-91937060-G-A. GRCh37 (hg19) VCF-style: chr14-92403404-G-A.
Other names: p.Ser89Leu; c.389C>T, p.Ser130Leu (NM_001384158.1); c.317C>T, p.Ser106Leu (NM_001384159.1); c.266C>T, p.Ser89Leu (NM_001384160.1); c.98C>T, p.Ser33Leu (NM_001384161.1, NM_001384162.1); c.266C>T (NM_006329.3); short protein forms S106L, S89L, S130L, S33L.
Identifiers: ClinVar variation 1478625 (VCV001478625.7), dbSNP rs936670983, ClinGen allele CA265607614.